The following is an entry in ClinVar:

ClinVar aggregate classification (germline): Likely pathogenic (1 of 4 stars; one submission).

Conditions:
Cockayne syndrome type 2 (CSB). Also called: Cockayne Syndrome, Type II; COCKAYNE SYNDROME B. Identifiers: Orphanet 191, Orphanet 90322, MedGen C0751038, MONDO:0019570, OMIM 133540.

Submission:

Myriad Genetics, Inc.
Classification: Likely pathogenic for Cockayne syndrome type 2. Last evaluated: 2020-03-03. Review status: criteria provided, single submitter. Criteria: Myriad Women's Health Autosomal Recessive and X-Linked Classification Criteria (2019). Collection method: clinical testing. Allele origin: unknown.
Comment: NM_000124.2(ERCC6):c.3465C>A(Y1155*) is expected to be pathogenic in the context of ERCC6-related disorders. This variant is predicted to lead to an abnormal or absent protein product due to the creation of a premature termination codon in ERCC6, a gene where loss-of-function variants are known to be pathogenic. Please note: this variant was assessed in the context of healthy population screening.

NM_000124.4(ERCC6):c.3465C>A (p.Tyr1155Ter)

Gene: ERCC6 (ERCC excision repair 6, chromatin remodeling factor; minus strand). Cytogenetic location: 10q11.23.
Variant type: single nucleotide variant.
Coding change: c.3465C>A on transcript NM_000124.4 (MANE Select); coding-DNA position 3465, C replaced by A.
Protein change: p.Tyr1155Ter; replaces tyrosine 1155 with a stop codon.
Molecular consequence: nonsense.
Genome position (GRCh38, 1-based): chr10:49,470,495, G>T on the plus strand (C>A on the coding strand, the complement: ERCC6 is on the minus strand). VCF-style: chr10-49470495-G-T. GRCh37 (hg19) VCF-style: chr10-50678541-G-T.
Other names: c.3465C>A, p.Tyr1155Ter (NM_001346440.2); short protein forms Y1155*.
Identifiers: ClinVar variation 983688 (VCV000983688.3), dbSNP rs1286402535, ClinGen allele CA376714593.